The following is an entry in ClinVar:

ClinVar aggregate classification (germline): Likely benign (0 of 4 stars; one submission).

Conditions:
PKD1-related disorder. Also called: PKD1-related condition.

Allele frequency attached by ClinVar (database versions not stated): gnomAD exomes 0.00001; ExAC 0.00005; ESP Exome Variant Server 0.00008; gnomAD 0.00014; TOPMed 0.00015.
gnomAD v4.1: 42 of 1,609,416 alleles (0.0026%); highest among the groups gnomAD compares: African/African-American, 0.051%; no homozygotes.

Submission:

PreventionGenetics, part of Exact Sciences
Classification: Likely benign for PKD1-related condition. Last evaluated: 2022-07-08. Review status: no assertion criteria provided. Collection method: clinical testing. Allele origin: germline.
Comment: This variant is classified as likely benign based on ACMG/AMP sequence variant interpretation guidelines (Richards et al. 2015 PMID: 25741868, with internal and published modifications).

NM_001009944.3(PKD1):c.5403T>C (p.Pro1801=)

Gene: PKD1 (polycystin 1, transient receptor potential channel interacting; minus strand). Cytogenetic location: 16p13.3.
Variant type: single nucleotide variant.
Coding change: c.5403T>C on transcript NM_001009944.3 (MANE Select); coding-DNA position 5403, T replaced by C.
Protein change: p.Pro1801=; no amino-acid change (proline 1801 retained).
Molecular consequence: synonymous variant.
Genome position (GRCh38, 1-based): chr16:2,109,764, A>G on the plus strand (T>C on the coding strand, the complement: PKD1 is on the minus strand). VCF-style: chr16-2109764-A-G. GRCh37 (hg19) VCF-style: chr16-2159765-A-G.
Other names: c.5403T>C, p.Pro1801= (NM_000296.4).
Identifiers: ClinVar variation 3030165 (VCV003030165.2), dbSNP rs140840050, ClinGen allele CA7831998.